The following is an entry in ClinVar:

NC_000022.10:g.(?_32275491)_(32289757_?)del

Gene: DEPDC5 (DEP domain containing 5, GATOR1 subcomplex subunit; plus strand). Cytogenetic location: 22q12.3.
Variant type: Deletion.
Identifiers: ClinVar variation 3247885 (VCV003247885.1).

ClinVar aggregate classification (germline): Pathogenic (1 of 4 stars; one submission).

Conditions:
Familial focal epilepsy with variable foci (FPEVF). Identifiers: Orphanet 98820, MedGen C1858477, MONDO:0020310.

Submission:

Labcorp Genetics (formerly Invitae), Labcorp
Classification: Pathogenic for Familial focal epilepsy with variable foci. Last evaluated: 2023-11-13. Review status: criteria provided, single submitter. Criteria: Invitae Variant Classification Sherloc (09022015). Collection method: clinical testing. Allele origin: unknown.
Comment: This variant is a gross deletion of the genomic region encompassing exon(s) 38-39 of the DEPDC5 gene. This deletion is out-of-frame, and is expected to create a premature termination codon and result in an absent or disrupted protein product. Loss-of-function variants in DEPDC5 are known to be pathogenic (PMID: 23542697, 23542701). This variant has not been reported in the literature in individuals affected with DEPDC5-related conditions. For these reasons, this variant has been classified as Pathogenic.

Literature cited by the submitters: PubMed 23542697; PubMed 23542701.